The following is an entry in ClinVar:

NM_000514.4(GDNF):c.*1785G>T

Gene: GDNF (glial cell derived neurotrophic factor; minus strand). Cytogenetic location: 5p13.2.
Variant type: single nucleotide variant.
Coding change: c.*1785G>T on transcript NM_000514.4 (MANE Select); 1785 bases downstream of the stop codon, G replaced by T.
Molecular consequence: 3 prime UTR variant.
Genome position (GRCh38, 1-based): chr5:37,813,866, C>A on the plus strand (G>T on the coding strand, the complement: GDNF is on the minus strand). VCF-style: chr5-37813866-C-A. GRCh37 (hg19) VCF-style: chr5-37813968-C-A.
Other names: c.*1785G>T (NM_001190468.1, NM_001190469.1, NM_001278098.1 and 1 more transcripts).
Identifiers: ClinVar variation 353487 (VCV000353487.5), dbSNP rs115322727, ClinGen allele CA10624706.

ClinVar aggregate classification (germline): Benign (1 of 4 stars; one submission).

Conditions:
Hirschsprung disease, susceptibility to, 3. Identifiers: Orphanet 388, MedGen C3150974, MONDO:0013383, OMIM 613711.

Allele frequency attached by ClinVar (database versions not stated): gnomAD 0.02777 and 0.02975; TOPMed 0.03025; 1000 Genomes Project 0.03335; 1000 Genomes Project 30x 0.03513.

Submission:

Illumina Laboratory Services, Illumina
Classification: Benign for Hirschsprung disease, susceptibility to, 3. Last evaluated: 2018-01-13. Review status: criteria provided, single submitter. Criteria: ICSL Variant Classification Criteria 13 December 2019. Collection method: clinical testing. Allele origin: germline.
Comment: This variant was observed in the ICSL laboratory as part of a predisposition screen in an ostensibly healthy population. It had not been previously curated by ICSL or reported in the Human Gene Mutation Database (HGMD: prior to June 1st, 2018), and was therefore a candidate for classification through an automated scoring system. Utilizing variant allele frequency, disease prevalence and penetrance estimates, and inheritance mode, an automated score was calculated to assess if this variant is too frequent to cause the disease. Based on the score and internal cut-off values, a variant classified as benign is not then subjected to further curation. The score for this variant resulted in a classification of benign for this disease.